The following is an entry in ClinVar:

NM_017636.4(TRPM4):c.885G>C (p.Gln295His)

Gene: TRPM4 (transient receptor potential cation channel subfamily M member 4; plus strand). Cytogenetic location: 19q13.33.
Variant type: single nucleotide variant.
Coding change: c.885G>C on transcript NM_017636.4 (MANE Select); coding-DNA position 885, G replaced by C.
Protein change: p.Gln295His; replaces glutamine 295 with histidine.
Molecular consequence: missense variant. On other transcripts: 5 prime UTR variant (1).
Genome position (GRCh38, 1-based): chr19:49,171,604, G>C. VCF-style: chr19-49171604-G-C. GRCh37 (hg19) VCF-style: chr19-49674861-G-C.
Other names: c.885G>C, p.Gln295His (NM_001195227.2); c.540G>C, p.Gln180His (NM_001321281.2); c.-669G>C (NM_001321282.2); c.363G>C, p.Gln121His (NM_001321283.2); c.36G>C, p.Gln12His (NM_001321285.2); short protein forms Q180H, Q121H, Q295H, Q12H.
Identifiers: ClinVar variation 863812 (VCV000863812.9), dbSNP rs150368509, ClinGen allele CA9569008.
Genomic context (GRCh38, chr19:49,171,604, plus strand): 5'-GACGTGATGAATAAAGAATGCCTTTATCCTGTAGCGAATAGAGAACGCCACCCAGGCTCA[G>C]CTCCCATGTCTCCTCGTGGCTGGCTCAGGGGGAGCTGCGGACTGCCTGGCGGAGACCCTG-3'
Protein context (NP_060106.2, residues 285-305): LTRIENATQA[Gln295His]LPCLLVAGSG

ClinVar aggregate classification (germline): Uncertain significance (1 of 4 stars; one submission).

Conditions:
Progressive familial heart block type IB (PFHB1B). Identifiers: Orphanet 871, MedGen C1970298, MONDO:0011474, OMIM 604559.

gnomAD v4.1: 8 of 1,613,974 alleles (0.0005%); highest among the groups gnomAD compares: South Asian, 0.0088%; no homozygotes.

Submission:

Labcorp Genetics (formerly Invitae), Labcorp
Classification: Uncertain significance for Progressive familial heart block type IB. Last evaluated: 2019-12-15. Review status: criteria provided, single submitter. Criteria: Invitae Variant Classification Sherloc (09022015). Collection method: clinical testing. Allele origin: germline.
Comment: In summary, the available evidence is currently insufficient to determine the role of this variant in disease. Therefore, it has been classified as a Variant of Uncertain Significance. Algorithms developed to predict the effect of missense changes on protein structure and function are either unavailable or do not agree on the potential impact of this missense change (SIFT: "Tolerated"; PolyPhen-2: "Possibly Damaging"; Align-GVGD: "Class C0"). This variant has not been reported in the literature in individuals with TRPM4-related conditions. This variant is present in population databases (rs150368509, ExAC 0.03%). This sequence change replaces glutamine with histidine at codon 295 of the TRPM4 protein (p.Gln295His). The glutamine residue is moderately conserved and there is a small physicochemical difference between glutamine and histidine.